The following is an entry in ClinVar:

ClinVar aggregate classification (germline): Conflicting classifications of pathogenicity. Review status: criteria provided, conflicting classifications (1 of 4 stars). 5 submissions from 5 submitters: Uncertain significance (3); Benign (2). Last evaluated 2026-02-03.

Conditions:
Fetal anomalies with a likely genetic cause.

Allele frequency attached by ClinVar (database versions not stated): 1000 Genomes Project 30x 0.24079; 1000 Genomes Project 0.24820; TOPMed 0.25029; gnomAD 0.25668 and 0.26059; gnomAD exomes 0.33361.
gnomAD v4.1: 96,674 of 323,542 alleles (30%); highest among the groups gnomAD compares: East Asian, 55%; 17,041 homozygotes.

Submissions (5):

Genetics Laboratory, Great Ormond Street Hospital NHS Foundation Trust, North Thames Genomic Laboratory Hub
Classification: Uncertain significance for Fetal anomalies with a likely genetic cause. Last evaluated: 2026-02-03. Review status: criteria provided, single submitter. Criteria: ACGS Best Practice Guidelines for Variant Classification in Rare Disease 2024 v1.2. Collection method: clinical testing. Allele origin: germline. Affected: yes.
Comment: BA1_standalone, BP4_supporting, BP7_supporting

CeGaT Center for Human Genetics Tuebingen
Classification: Uncertain significance. Last evaluated: 2025-12-01. Review status: criteria provided, single submitter. Criteria: CeGaT Center For Human Genetics Tuebingen Variant Classification Criteria Version 2. Collection method: clinical testing. Allele origin: germline. Affected: yes. Observed: 1 variant allele.
Comment: TBX6: PM3, PM2:Supporting

Blueprint Genetics
Classification: Uncertain significance. Last evaluated: 2022-12-06. Review status: criteria provided, single submitter. Criteria: ACMG Guidelines, 2015. Collection method: clinical testing. Allele origin: germline.

GeneDx
Classification: Benign. Last evaluated: 2018-11-12. Review status: criteria provided, single submitter. Criteria: GeneDx Variant Classification Process June 2021. Collection method: clinical testing. Allele origin: germline. Affected: yes.

Breakthrough Genomics
Classification: Benign. Review status: criteria provided, single submitter. Criteria: ACMG Guidelines, 2015. Collection method: not provided. Allele origin: germline. Inheritance: Autosomal recessive inheritance. Affected: yes.

NM_004608.4(TBX6):c.-48-240A>G

Gene: TBX6 (T-box transcription factor 6; minus strand). Cytogenetic location: 16p11.2.
Variant type: single nucleotide variant.
Coding change: c.-48-240A>G on transcript NM_004608.4 (MANE Select); 240 bases into the intron before 48 bases upstream of the start codon, A replaced by G.
Molecular consequence: intron variant.
Genome position (GRCh38, 1-based): chr16:30,091,481, T>C on the plus strand (A>G on the coding strand, the complement: TBX6 is on the minus strand). VCF-style: chr16-30091481-T-C. GRCh37 (hg19) VCF-style: chr16-30102802-T-C.
Identifiers: ClinVar variation 427808 (VCV000427808.11), dbSNP rs3809624, ClinGen allele CA14218128.